The following is an entry in ClinVar:

ClinVar aggregate classification (germline): Uncertain significance (1 of 4 stars; one submission).

Conditions:
COG8-congenital disorder of glycosylation. Also called: CDG IIh; COG8-CDG. Identifiers: Orphanet 95428, MedGen C1970021, MONDO:0012635, OMIM 611182.

Submission:

Labcorp Genetics (formerly Invitae), Labcorp
Classification: Uncertain significance for COG8-congenital disorder of glycosylation. Last evaluated: 2024-02-20. Review status: criteria provided, single submitter. Criteria: Invitae Variant Classification Sherloc (09022015). Collection method: clinical testing. Allele origin: germline.
Comment: This sequence change replaces proline, which is neutral and non-polar, with threonine, which is neutral and polar, at codon 579 of the COG8 protein (p.Pro579Thr). This variant is not present in population databases (gnomAD no frequency). This variant has not been reported in the literature in individuals affected with COG8-related conditions. Algorithms developed to predict the effect of missense changes on protein structure and function output the following: SIFT: "Not Available"; PolyPhen-2: "Benign"; Align-GVGD: "Not Available". The threonine amino acid residue is found in multiple mammalian species, which suggests that this missense change does not adversely affect protein function. In summary, the available evidence is currently insufficient to determine the role of this variant in disease. Therefore, it has been classified as a Variant of Uncertain Significance.

NM_032382.5(COG8):c.1735C>A (p.Pro579Thr)

Genes: COG8 (component of oligomeric golgi complex 8; minus strand), LOC130059304 (ATAC-STARR-seq lymphoblastoid silent region 7657; plus strand). Cytogenetic location: 16q22.1.
Variant type: single nucleotide variant.
Coding change: c.1735C>A on transcript NM_032382.5 (MANE Select); coding-DNA position 1735, C replaced by A.
Protein change: p.Pro579Thr; replaces proline 579 with threonine.
Molecular consequence: missense variant. On other transcripts: intron variant (2).
Genome position (GRCh38, 1-based): chr16:69,330,943, G>T on the plus strand (C>A on the coding strand, the complement: COG8 is on the minus strand). VCF-style: chr16-69330943-G-T. GRCh37 (hg19) VCF-style: chr16-69364846-G-T.
Other names: c.1876C>A, p.Pro626Thr (NM_001379261.1); c.1735C>A, p.Pro579Thr (NM_001379262.1, NM_001379264.1); c.1774C>A, p.Pro592Thr (NM_001379263.1); c.1414-1764C>A (NM_001379266.1); c.1583-1764C>A (NM_001379265.1); short protein forms P592T, P579T, P626T.
Identifiers: ClinVar variation 3632782 (VCV003632782.2).
Genomic context (GRCh38, chr16:69,330,943, plus strand): 5'-CTCCCTCCGGGCAGGCTGGGCCCGCGGGCTCCAGGCGTGGCTCCTCGGCGGGAGGCTCTG[G>T]TGCTGGAGCTGTGAGCTCGGGCCCCAGCGCCTGGTCATCCAGGGTGAAAAGCGTCTCTCT-3'
Protein context (NP_115758.3, residues 569-589): ALGPELTAPA[Pro579Thr]EPPAEEPRLE